The following is an entry in ClinVar:

NM_001267550.2(TTN):c.102554T>C (p.Ile34185Thr)

Genes: TTN-AS1 (TTN antisense RNA 1; plus strand), TTN (titin; minus strand). Cytogenetic location: 2q31.2.
Variant type: single nucleotide variant.
Coding change: c.102554T>C on transcript NM_001267550.2 (MANE Select); coding-DNA position 102554, T replaced by C.
Protein change: p.Ile34185Thr; replaces isoleucine 34185 with threonine.
Molecular consequence: missense variant.
Genome position (GRCh38, 1-based): chr2:178,534,061, A>G on the plus strand (T>C on the coding strand, the complement: TTN is on the minus strand). VCF-style: chr2-178534061-A-G. GRCh37 (hg19) VCF-style: chr2-179398788-A-G.
Other names: c.97631T>C, p.Ile32544Thr (NM_001256850.1); c.75359T>C, p.Ile25120Thr (NM_003319.4); c.94850T>C, p.Ile31617Thr (NM_133378.4); c.75734T>C, p.Ile25245Thr (NM_133432.3); c.75935T>C, p.Ile25312Thr (NM_133437.4); short protein forms I25120T, I31617T, I32544T, I25245T, I34185T, I25312T.
Identifiers: ClinVar variation 1437678 (VCV001437678.8), dbSNP rs1280013764, ClinGen allele CA349417276.

ClinVar aggregate classification (germline): Uncertain significance (1 of 4 stars; one submission).

Conditions:
Dilated cardiomyopathy 1G (CMD1G). Identifiers: Orphanet 154, MedGen C1858763, MONDO:0011400, OMIM 604145.
Autosomal recessive limb-girdle muscular dystrophy type 2J (LGMDR10). Also called: Limb-girdle muscular dystrophy, type 2J; MUSCULAR DYSTROPHY, LIMB-GIRDLE, AUTOSOMAL RECESSIVE 10. Identifiers: Orphanet 140922, MedGen C1837342, MONDO:0012127, OMIM 608807.

Allele frequency attached by ClinVar (database versions not stated): gnomAD exomes below 0.00001; TOPMed below 0.00001.
gnomAD v4.1: 1 of 1,613,928 alleles (0.000062%); highest among the groups gnomAD compares: Non-Finnish European, 0.000085%; no homozygotes.

Submission:

Labcorp Genetics (formerly Invitae), Labcorp
Classification: Uncertain significance for Dilated cardiomyopathy 1G; Autosomal recessive limb-girdle muscular dystrophy type 2J. Last evaluated: 2022-08-12. Review status: criteria provided, single submitter. Criteria: Invitae Variant Classification Sherloc (09022015). Collection method: clinical testing. Allele origin: germline.
Comment: Experimental studies and prediction algorithms are not available or were not evaluated, and the functional significance of this variant is currently unknown. This sequence change replaces isoleucine, which is neutral and non-polar, with threonine, which is neutral and polar, at codon 34185 of the TTN protein (p.Ile34185Thr). This variant is present in population databases (no rsID available, gnomAD 0.0009%). This variant has not been reported in the literature in individuals affected with TTN-related conditions. ClinVar contains an entry for this variant (Variation ID: 1437678). This variant is located in the M band of TTN (PMID: 25589632). Variants in this region may be relevant for neuromuscular disorders, but have not been definitively shown to cause cardiomyopathy (PMID: 23975875). In summary, the available evidence is currently insufficient to determine the role of this variant in disease. Therefore, it has been classified as a Variant of Uncertain Significance.

Literature cited by the submitters: PubMed 25589632; PubMed 23975875.